The following is an entry in ClinVar:

NM_006767.4(LZTR1):c.1013C>T (p.Pro338Leu)

Gene: LZTR1 (leucine zipper like post translational regulator 1; plus strand). Cytogenetic location: 22q11.21.
Variant type: single nucleotide variant.
Coding change: c.1013C>T on transcript NM_006767.4 (MANE Select); coding-DNA position 1013, C replaced by T.
Protein change: p.Pro338Leu; replaces proline 338 with leucine.
Molecular consequence: missense variant.
Genome position (GRCh38, 1-based): chr22:20,992,233, C>T. VCF-style: chr22-20992233-C-T. GRCh37 (hg19) VCF-style: chr22-21346522-C-T.
Other names: short protein forms P338L.
Identifiers: ClinVar variation 3708233 (VCV003708233.2).

ClinVar aggregate classification (germline): Uncertain significance (1 of 4 stars; one submission).

Submission:

Labcorp Genetics (formerly Invitae), Labcorp
Classification: Uncertain significance. Last evaluated: 2024-11-14. Review status: criteria provided, single submitter. Criteria: Invitae Variant Classification Sherloc (09022015). Collection method: clinical testing. Allele origin: germline.
Comment: This sequence change replaces proline, which is neutral and non-polar, with leucine, which is neutral and non-polar, at codon 338 of the LZTR1 protein (p.Pro338Leu). This variant is not present in population databases (gnomAD no frequency). This variant has not been reported in the literature in individuals affected with LZTR1-related conditions. Invitae Evidence Modeling of protein sequence and biophysical properties (such as structural, functional, and spatial information, amino acid conservation, physicochemical variation, residue mobility, and thermodynamic stability) indicates that this missense variant is not expected to disrupt LZTR1 protein function with a negative predictive value of 80%. In summary, the available evidence is currently insufficient to determine the role of this variant in disease. Therefore, it has been classified as a Variant of Uncertain Significance.